The following is an entry in ClinVar:

ClinVar aggregate classification (germline): Uncertain significance (1 of 4 stars; one submission).

Submission:

Labcorp Genetics (formerly Invitae), Labcorp
Classification: Uncertain significance. Last evaluated: 2024-09-23. Review status: criteria provided, single submitter. Criteria: Invitae Variant Classification Sherloc (09022015). Collection method: clinical testing. Allele origin: germline.
Comment: This sequence change replaces glycine, which is neutral and non-polar, with alanine, which is neutral and non-polar, at codon 553 of the KIF23 protein (p.Gly553Ala). This variant is not present in population databases (gnomAD no frequency). This variant has not been reported in the literature in individuals affected with KIF23-related conditions. Invitae Evidence Modeling of protein sequence and biophysical properties (such as structural, functional, and spatial information, amino acid conservation, physicochemical variation, residue mobility, and thermodynamic stability) indicates that this missense variant is not expected to disrupt KIF23 protein function with a negative predictive value of 80%. In summary, the available evidence is currently insufficient to determine the role of this variant in disease. Therefore, it has been classified as a Variant of Uncertain Significance.

NM_001367805.3(KIF23):c.1700G>C (p.Gly567Ala)

Gene: KIF23 (kinesin family member 23; plus strand). Cytogenetic location: 15q23.
Variant type: single nucleotide variant.
Coding change: c.1700G>C on transcript NM_001367805.3 (MANE Select); coding-DNA position 1700, G replaced by C.
Protein change: p.Gly567Ala; replaces glycine 567 with alanine.
Molecular consequence: missense variant. On other transcripts: non-coding transcript variant (2).
Genome position (GRCh38, 1-based): chr15:69,438,350, G>C. VCF-style: chr15-69438350-G-C. GRCh37 (hg19) VCF-style: chr15-69730689-G-C.
Other names: c.1328G>C, p.Gly443Ala (NM_001281301.2); c.1658G>C, p.Gly553Ala (NM_001367804.2, NM_004856.7, NM_138555.4); short protein forms G553A, G567A, G443A.
Identifiers: ClinVar variation 3666613 (VCV003666613.2).